The following is an entry in ClinVar:

NM_001163435.3(TBCK):c.2059+3del

Gene: TBCK (TBC1 domain containing kinase; minus strand). Cytogenetic location: 4q24.
Variant type: Deletion.
Coding change: c.2059+3del on transcript NM_001163435.3 (MANE Select); 3 bases into the intron after coding-DNA position 2059, one base deleted (A; older notation c.2059+3delA).
Molecular consequence: intron variant.
Genome position (GRCh38, 1-based): chr4:106,193,606, T deleted on the plus strand (A on the coding strand, the reverse complement: TBCK is on the minus strand). VCF-style (leftmost placement, unchanged base first): chr4-106193605-AT-A. GRCh37 (hg19) VCF-style: chr4-107114762-AT-A.
Other names: c.2059+3del (NM_001163436.4); c.1870+3del (NM_033115.5); c.1942+3del (NM_001163437.3); c.1543+3del (NM_001290768.2).
Identifiers: ClinVar variation 1908958 (VCV001908958.3), dbSNP rs1043132546, ClinGen allele CA102809737.

ClinVar aggregate classification (germline): Uncertain significance (1 of 4 stars; one submission).

Allele frequency attached by ClinVar (database versions not stated): gnomAD exomes below 0.00001; TOPMed 0.00002.

Submission:

Labcorp Genetics (formerly Invitae), Labcorp
Classification: Uncertain significance. Last evaluated: 2024-10-22. Review status: criteria provided, single submitter. Criteria: Invitae Variant Classification Sherloc (09022015). Collection method: clinical testing. Allele origin: germline.
Comment: This sequence change falls in intron 22 of the TBCK gene. It does not directly change the encoded amino acid sequence of the TBCK protein. It affects a nucleotide within the consensus splice site. This variant is present in population databases (no rsID available, gnomAD 0.006%). This variant has not been reported in the literature in individuals affected with TBCK-related conditions. ClinVar contains an entry for this variant (Variation ID: 1908958). Variants that disrupt the consensus splice site are a relatively common cause of aberrant splicing (PMID: 17576681, 9536098). Algorithms developed to predict the effect of sequence changes on RNA splicing suggest that this variant is not likely to affect RNA splicing. In summary, the available evidence is currently insufficient to determine the role of this variant in disease. Therefore, it has been classified as a Variant of Uncertain Significance.

Literature cited by the submitters: PubMed 17576681; PubMed 9536098.